The following is an entry in ClinVar:

NM_006947.4(SRP72):c.391G>A (p.Val131Met)

Gene: SRP72 (signal recognition particle 72; plus strand). Cytogenetic location: 4q12.
Variant type: single nucleotide variant.
Coding change: c.391G>A on transcript NM_006947.4 (MANE Select); coding-DNA position 391, G replaced by A.
Protein change: p.Val131Met; replaces valine 131 with methionine.
Molecular consequence: missense variant. On other transcripts: non-coding transcript variant (1).
Genome position (GRCh38, 1-based): chr4:56,474,090, G>A. VCF-style: chr4-56474090-G-A. GRCh37 (hg19) VCF-style: chr4-57340256-G-A.
Other names: c.391G>A, p.Val131Met (NM_001267722.2); short protein forms V131M.
Identifiers: ClinVar variation 3801520 (VCV003801520.1).

ClinVar aggregate classification (germline): Uncertain significance (1 of 4 stars; one submission).

gnomAD v4.1: 2 of 1,614,114 alleles (0.00012%); highest among the groups gnomAD compares: South Asian, 0.0011%; no homozygotes.

Submission:

Ambry Genetics
Classification: Uncertain significance. Last evaluated: 2025-03-09. Review status: criteria provided, single submitter. Criteria: Ambry Variant Classification Scheme 2023. Collection method: clinical testing. Allele origin: germline.
Comment: The p.V131M variant (also known as c.391G>A), located in coding exon 4 of the SRP72 gene, results from a G to A substitution at nucleotide position 391. The valine at codon 131 is replaced by methionine, an amino acid with highly similar properties. This amino acid position is conserved. In addition, the in silico prediction for this alteration is inconclusive. Based on the available evidence, the clinical significance of this variant remains unclear.